The following is an entry in ClinVar:

NM_152327.5(AK7):c.2018T>G (p.Leu673Arg)

Gene: AK7 (adenylate kinase 7; plus strand). Cytogenetic location: 14q32.2.
Variant type: single nucleotide variant.
Coding change: c.2018T>G on transcript NM_152327.5 (MANE Select); coding-DNA position 2018, T replaced by G.
Protein change: p.Leu673Arg; replaces leucine 673 with arginine.
Molecular consequence: missense variant.
Genome position (GRCh38, 1-based): chr14:96,486,941, T>G. VCF-style: chr14-96486941-T-G. GRCh37 (hg19) VCF-style: chr14-96953278-T-G.
Other names: AK7, LEU673PRO (rs116298211); L673P; c.1949T>G, p.Leu650Arg (NM_001350888.2, NM_001350890.2); c.1940T>G, p.Leu647Arg (NM_001350891.2); c.1820T>G, p.Leu607Arg (NM_001350892.2); short protein forms L673R, L650R, L607R, L647R.
Identifiers: ClinVar variation 523614 (VCV000523614.1), dbSNP rs116298211, ClinGen allele CA390926129.
Genomic context (GRCh38, chr14:96,486,941, plus strand): 5'-CAAATATTCTATTTTAGAATAAACGACTGGAGGAAGTGAAAAGAGAAGAAAGAGAATTAC[T>G]GGAGGCTCAGTCAATTCCCCTGAGAAACTATTTAATGACCTATGTGATGCCAACTCTTAT-3'
Protein context (NP_689540.2, residues 663-683): EEVKREEREL[Leu673Arg]EAQSIPLRNY

ClinVar aggregate classification (germline): no classifications from unflagged records (0 of 4 stars; one submission).

Conditions:
Spermatogenic failure 27. Identifiers: MedGen C4693784, MONDO:0054731, OMIM 617965.

gnomAD v4.1: 4 of 1,614,054 alleles (0.00025%); highest among the groups gnomAD compares: Non-Finnish European, 0.00034%; no homozygotes.

Submission:

OMIM
Classification: Pathogenic for SPERMATOGENIC FAILURE 27 (1 family). Last evaluated: 2018-08-29. Review status: flagged submission. Collection method: literature only. Allele origin: germline.
ClinVar note: Notes: Flagging candidate with reason of insufficient supporting evidence. This gene has been classified as having a limited gene-disease relationship by a ClinGen Expert Panel.
ClinVar note: Reason: P/LP classification for a variant in a gene with insufficient evidence for a gene-disease relationship

Literature cited by the submitters: PubMed 29365104.